The following is an entry in ClinVar:

ClinVar aggregate classification (germline): Uncertain significance (1 of 4 stars; one submission).

Conditions:
Cardiovascular phenotype. Identifiers: MedGen CN230736.

Submission:

Ambry Genetics
Classification: Uncertain significance for Cardiovascular phenotype. Last evaluated: 2025-12-02. Review status: criteria provided, single submitter. Criteria: Ambry Variant Classification Scheme 2023. Collection method: clinical testing. Allele origin: germline.
Comment: The p.D773G variant (also known as c.2318A>G), located in coding exon 14 of the SOS2 gene, results from an A to G substitution at nucleotide position 2318. The aspartic acid at codon 773 is replaced by glycine, an amino acid with similar properties. This amino acid position is conserved. In addition, this alteration is predicted to be tolerated by in silico analysis. Based on the available evidence, the clinical significance of this variant remains unclear.

NM_006939.4(SOS2):c.2318A>G (p.Asp773Gly)

Gene: SOS2 (SOS Ras/Rho guanine nucleotide exchange factor 2; minus strand). Cytogenetic location: 14q21.3.
Variant type: single nucleotide variant.
Coding change: c.2318A>G on transcript NM_006939.4 (MANE Select); coding-DNA position 2318, A replaced by G.
Protein change: p.Asp773Gly; replaces aspartic acid 773 with glycine.
Molecular consequence: missense variant.
Genome position (GRCh38, 1-based): chr14:50,150,074, T>C on the plus strand (A>G on the coding strand, the complement: SOS2 is on the minus strand). VCF-style: chr14-50150074-T-C. GRCh37 (hg19) VCF-style: chr14-50616792-T-C.
Other names: c.2219A>G, p.Asp740Gly (NM_001411020.1); short protein forms D740G, D773G.
Identifiers: ClinVar variation 4614996 (VCV004614996.1).